The following continues an entry in ClinVar:

NM_000535.7(PMS2):c.2404C>T (p.Arg802Ter)

Gene: PMS2. ClinVar aggregate classification (germline): Pathogenic. Pathogenic (1).

Submissions 9 to 26 of 26:

Genomics and Molecular Medicine Service, East Genomic Laboratory Hub, NHS Genomic Medicine Service
Classification: Pathogenic for Inherited MMR deficiency (Lynch syndrome). Last evaluated: 2024-06-26. Review status: criteria provided, single submitter. Criteria: ACGS Best Practice Guidelines for Variant Classification in Rare Disease 2020. Collection method: clinical testing. Allele origin: germline. Affected: yes. Not counted in ClinVar's aggregate classification.
Comment: PVS1_Strong,PM3_Supporting,PP1,PP4_Strong

Baylor Genetics
Classification: Pathogenic for Lynch syndrome 4. Last evaluated: 2024-03-06. Review status: criteria provided, single submitter. Criteria: ACMG Guidelines, 2015. Collection method: clinical testing. Allele origin: unknown. Not counted in ClinVar's aggregate classification.

Mayo Clinic Laboratories, Mayo Clinic
Classification: Pathogenic. Last evaluated: 2024-03-04. Review status: criteria provided, single submitter. Criteria: ACMG Guidelines, 2015. Collection method: clinical testing. Allele origin: germline. Observed: 2 variant alleles. Not counted in ClinVar's aggregate classification.
Comment: PP1, PP4, PP5, PM3, PVS1

Fulgent Genetics
Classification: Pathogenic for Lynch syndrome 4; Mismatch repair cancer syndrome 4. Last evaluated: 2024-01-08. Review status: criteria provided, single submitter. Criteria: ACMG Guidelines, 2015. Collection method: clinical testing. Allele origin: germline. Not counted in ClinVar's aggregate classification.

Blueprint Genetics
Classification: Pathogenic for PMS2-related disorders. Last evaluated: 2023-10-30. Review status: criteria provided, single submitter. Criteria: ACMG Guidelines, 2015. Collection method: clinical testing. Allele origin: germline. Affected: yes. Observed: 2 variant alleles. Not counted in ClinVar's aggregate classification.

Myriad Genetics, Inc.
Classification: Pathogenic for Lynch syndrome 4. Last evaluated: 2023-04-05. Review status: criteria provided, single submitter. Criteria: Myriad Autosomal Dominant, Autosomal Recessive and X-Linked Classification Criteria (2023). Collection method: clinical testing. Allele origin: unknown. Not counted in ClinVar's aggregate classification.
Comment: This variant is considered pathogenic. This variant creates a termination codon and is predicted to result in premature protein truncation.

GeneDx
Classification: Pathogenic. Last evaluated: 2022-11-04. Review status: criteria provided, single submitter. Criteria: GeneDx Variant Classification Process June 2021. Collection method: clinical testing. Allele origin: germline. Affected: yes. Not counted in ClinVar's aggregate classification.
Comment: Nonsense variant in the C-terminus predicted to result in protein truncation, as the last 61 amino acids are lost, and other loss-of-function variants have been reported downstream in the Human Gene Mutation Database (HGMD); Observed in the heterozygous state in individuals with Lynch syndrome-related tumors (Senter et al., 2008; Vaughn et al., 2010; Ten Broeke et al., 2015; Rosty et al., 2016; Andrianova et al., 2017; Manchana et al., 2021); Truncating variants in this gene are considered pathogenic by a well-established clinical consortium and/or database; This variant is associated with the following publications: (PMID: 15077197, 18602922, 18709565, 15340263, 17993636, 25512458, 25525159, 25691505, 17851451, 21376568, 20205264, 21356188, 28514183, 28152038, 26895986, 28805995, 32876971, 32029870, 31433215, 32773772, 30787465, 18619468, Fukui2011[Chapter], 34048176, 33372952, 16507833)

Clinical Genetics Laboratory, Skane University Hospital Lund
Classification: Pathogenic. Last evaluated: 2022-05-27. Review status: criteria provided, single submitter. Criteria: ACMG Guidelines, 2015. Collection method: clinical testing. Allele origin: germline. Affected: yes. Not counted in ClinVar's aggregate classification.

Women's Health and Genetics/Laboratory Corporation of America, LabCorp
Classification: Pathogenic for Hereditary nonpolyposis colon cancer. Last evaluated: 2022-05-24. Review status: criteria provided, single submitter. Criteria: LabCorp Variant Classification Summary - May 2015. Collection method: clinical testing. Allele origin: germline. Not counted in ClinVar's aggregate classification.
Comment: Variant summary: PMS2 c.2404C>T (p.Arg802X) results in a premature termination codon, predicted to cause a truncation of the encoded protein or absence of the protein due to nonsense mediated decay, which are commonly known mechanisms for disease. Truncations downstream of this position have been classified as pathogenic by our laboratory. The variant allele was found at a frequency of 2.7e-05 in 226074 control chromosomes. c.2404C>T has been reported in the literature in heterozygous individuals affected with Lynch syndrome-related cancers (example Senter_2008, Rosty_2016, Suerink_2016, van der Klift_2016, Manchana_2021). In the homozygous state, the variant has also been observed in multiple individuals with early onset brain tumors, leukemias, and lymphomas, often with cooccurring cafe-au-lait spots (example De Vos_2004, De Vos_2006, Andrianova_2017). These data indicate that the variant is very likely to be associated with disease. An endometrial carcinoma cell line with the variant was found to only generate a truncated protein product and was deficient in mismatch repair, suggesting a negative impact on protein function (Risinger_1995). Six clinical diagnostic laboratories have submitted clinical-significance assessments for this variant to ClinVar after 2014 without evidence for independent evaluation. All laboratories classified the variant as pathogenic. Based on the evidence outlined above, the variant was classified as pathogenic.

Sema4
Classification: Pathogenic for Hereditary cancer-predisposing syndrome. Last evaluated: 2021-08-10. Review status: criteria provided, single submitter. Criteria: Sema4 Curation Guidelines. Collection method: curation. Allele origin: germline. Not counted in ClinVar's aggregate classification.
Comment: The PMS2 c.2404C>T (p.R802*) variant has been reported as homozygous and as compound heterozygous in several individuals with constitutional mismatch repair deficiency (PMID: 15077197, 31433215, 32773772). It has also been observed in individuals with colorectal cancer (PMID: 26895986). Tumors found in these patients exhibit loss of PMS2 protein expression (PMID: 31433215). This nonsense variant creates a premature stop codon in the penultimate exon of the gene, which is expected to delete the last 61 amino acids of the PMS2 protein. Other truncations downstream of this variant have been reported as pathogenic. It was observed in 7/256498 chromosomes in the large and broad cohorts of the Genome Aggregation Database (PMID: 32461654). The variant has been reported in ClinVar (Variation ID 9237). Based on the current evidence available, this variant is interpreted as pathogenic.

Department of Pathology and Laboratory Medicine, Sinai Health System
Classification: Pathogenic for Lynch syndrome 4. Last evaluated: 2020-02-27. Review status: criteria provided, single submitter. Criteria: ACMG Guidelines, 2015. Collection method: clinical testing. Allele origin: germline. Affected: yes. Not counted in ClinVar's aggregate classification.

Laboratory for Molecular Medicine, Mass General Brigham Personalized Medicine
Classification: Likely pathogenic for Lynch syndrome. Last evaluated: 2016-07-20. Review status: criteria provided, single submitter. Criteria: ACMG Guidelines, 2015. Collection method: clinical testing. Allele origin: germline. Inheritance: Autosomal dominant inheritance. Not counted in ClinVar's aggregate classification.
Comment: The p.Arg802X variant in PMS2 has been reported in 1 heterozygous individual with PMS2-associated tumors and 5 homozygous, consanguineous individuals with cafe-au-lait spots and PMS2-associated tumors. It segregated with disease in 6 affected homozygous siblings from 3 consanguineous families (De Vos 2004 & 2006, Senter 2008). However, none of the heterozygous parents from these consanguineous families had PMS2-associated tumors. Data from large population studies is insufficient to assess the frequency of this variant. This nonsense variant leads to a premature termination codon at position 802. This alteration occurs within the terminal 50 bases of the second to last exon and, therefore, may escape nonsense mediated decay (NMD) resulting in a truncated protein. In vitro functional studies provide some evidence that the p.Arg802X variant may impact protein function (Risinger 1995, Glaab 1998, Peron 2008, Li 2015). Loss of function of the PMS2 gene is an established disease mechanism in Lynch syndrome. In summary, although additional studies are required to fully establish its clinical significance, the p.Arg802X variant is likely pathogenic.

Kasturba Medical College, Manipal, Kasturba Medical College, Manipal, Manipal Academy of Higher Education, Manipal, India
Classification: Pathogenic for Lynch syndrome 4. Review status: criteria provided, single submitter. Criteria: ACMG Guidelines, 2015. Collection method: clinical testing. Allele origin: maternal. Inheritance: Autosomal dominant inheritance. Affected: yes. Observed: 1 heterozygote. Not counted in ClinVar's aggregate classification.
Comment: This variant is present in 32 indviduals in the gnomAD (v4.1.0) population database.

Human Genome Sequencing Center Clinical Lab, Baylor College of Medicine
Classification: Pathogenic for Rhabdomyosarcoma. Last evaluated: 2020-09-01. Review status: no assertion criteria provided. Collection method: provider interpretation. Allele origin: germline. Affected: yes. Not counted in ClinVar's aggregate classification.

Institute of Human Genetics, Medical University Innsbruck
Classification: Pathogenic for Mismatch repair cancer syndrome 1. Last evaluated: 2020-05-06. Review status: no assertion criteria provided. Collection method: research. Allele origin: germline. Affected: yes. Observed: 1 compound heterozygote. Not counted in ClinVar's aggregate classification.
Comment: This variant, NM_000535.6:c.2404C>T, was found in compound heterozygosity with the pathogenic variant NM_000535.6:c.736_741delinsTGTGTGTGAAG. Sample UAB620 in Perez J et al, Genet Med (PMID: 32773772).

University of Washington Department of Laboratory Medicine, University of Washington
Classification: Pathogenic for Lynch syndrome 4. Last evaluated: 2019-10-22. Review status: no assertion criteria provided. Collection method: clinical testing. Allele origin: unknown. Affected: yes. Not counted in ClinVar's aggregate classification.
Comment: Seen as heterozygous in individuals with Lynch Syndrome homozygous in individuals with Constitutional Mismatch Repair deficiency.

Counsyl
Classification: Pathogenic for Lynch syndrome 4. Last evaluated: 2016-06-01. Review status: no assertion criteria provided. Collection method: clinical testing. Allele origin: unknown. Not counted in ClinVar's aggregate classification.

OMIM
Classification: Pathogenic for MISMATCH REPAIR CANCER SYNDROME 4. Last evaluated: 2006-03-01. Review status: no assertion criteria provided. Collection method: literature only. Allele origin: germline. Not counted in ClinVar's aggregate classification.

Literature cited by the submitters: PubMed 15077197 (cited by 8 submitters); PubMed 16507833 (cited by 9 submitters); PubMed 18602922 (cited by 9 submitters); PubMed 25512458 (cited by 5 submitters); PubMed 26110232 (cited by 5 submitters); PubMed 26895986 (cited by 7 submitters); PubMed 28805995 (cited by 5 submitters); PubMed 2440087 (cited by Labcorp Genetics (formerly Invitae), Labcorp); PubMed 10037723 (cited by Labcorp Genetics (formerly Invitae), Labcorp); PubMed 21618646 (cited by Labcorp Genetics (formerly Invitae), Labcorp); PubMed 23012243 (cited by Labcorp Genetics (formerly Invitae), Labcorp and Counsyl); PubMed 21356188 (cited by Ambry Genetics); PubMed 7629132 (cited by 5 submitters); PubMed 31433215 (cited by 3 submitters); PubMed 18824584 (cited by 3 submitters); PubMed 34048176 (cited by Color Diagnostics, LLC DBA Color Health and Women's Health and Genetics/Laboratory Corporation of America, LabCorp); PubMed 32773772 (cited by 3 submitters); PubMed 32876971 (cited by Mayo Clinic Laboratories, Mayo Clinic); PubMed 34897210 (cited by Mayo Clinic Laboratories, Mayo Clinic); PubMed 27435373 (cited by Women's Health and Genetics/Laboratory Corporation of America, LabCorp); PubMed 9756907 (cited by Laboratory for Molecular Medicine, Mass General Brigham Personalized Medicine); PubMed 25691505 (cited by Laboratory for Molecular Medicine, Mass General Brigham Personalized Medicine); PubMed 19092773 (cited by University of Washington Department of Laboratory Medicine, University of Washington); PubMed 20581245 (cited by University of Washington Department of Laboratory Medicine, University of Washington); PubMed 20205264 (cited by Counsyl); PubMed 25525159 (cited by Counsyl).